The following is an entry in ClinVar:

NM_001267550.2(TTN):c.40652del (p.Pro13551fs)

Gene: TTN (titin; minus strand). Cytogenetic location: 2q31.2.
Variant type: Deletion.
Coding change: c.40652del on transcript NM_001267550.2 (MANE Select); coding-DNA position 40652, one base deleted (C; older notation c.40652delC).
Protein change: p.Pro13551fs; shifts the reading frame from proline 13551.
Molecular consequence: frameshift variant.
Genome position (GRCh38, 1-based): chr2:178,640,612, G deleted on the plus strand (C on the coding strand, the reverse complement: TTN is on the minus strand); the first of 2 consecutive G bases (chr2:178,640,612-178,640,613); deleting either gives the same sequence. VCF-style (leftmost placement, unchanged base first): chr2-178640611-TG-T. GRCh37 (hg19) VCF-style: chr2-179505338-TG-T.
Other names: NM_133437.4:c.14033del; c.35729del, p.Pro11910fs (NM_001256850.1); c.13457del, p.Pro4486fs (NM_003319.4); c.32948del, p.Pro10983fs (NM_133378.4); c.13832del, p.Pro4611fs (NM_133432.3); c.14033del, p.Pro4678fs (NM_133437.4); short protein forms P10983fs, P11910fs, P13551fs, P4486fs, P4611fs, P4678fs.
Identifiers: ClinVar variation 2500879 (VCV002500879.2), dbSNP rs2471803949, ClinGen allele CA2573334556.

ClinVar aggregate classification (germline): Likely pathogenic. Review status: criteria provided, single submitter (1 of 4 stars). 2 submissions from 2 submitters: Likely pathogenic (1). 1 of the submissions does not count toward it. Last evaluated 2023-05-02.

Conditions:
Autosomal recessive limb-girdle muscular dystrophy type 2J (LGMDR10). Also called: Limb-girdle muscular dystrophy, type 2J; MUSCULAR DYSTROPHY, LIMB-GIRDLE, AUTOSOMAL RECESSIVE 10. Identifiers: Orphanet 140922, MedGen C1837342, MONDO:0012127, OMIM 608807.
Early-onset myopathy with fatal cardiomyopathy (CMYO5). Also called: Salih Myopathy; CONGENITAL MYOPATHY 5 WITH CARDIOMYOPATHY. Identifiers: Orphanet 289377, MedGen C2673677, MONDO:0012714, OMIM 611705. Disease mechanism: loss of function.

Submissions (2):

Broad Center for Mendelian Genomics, Broad Institute of MIT and Harvard
Classification: Likely pathogenic for Early-onset myopathy with fatal cardiomyopathy. Last evaluated: 2023-05-02. Review status: criteria provided, single submitter. Criteria: ACMG Guidelines, 2015. Collection method: curation. Allele origin: germline. Inheritance: Autosomal recessive inheritance.
Comment: The p.Pro13551GlnfsTer47 variant in TTN has not been previously reported in individuals with Salih myopathy. This variant was absent from large population studies. This variant is predicted to cause a frameshift, which alters the protein‚Äôs amino acid sequence beginning at position 13551 and leads to a premature termination codon 47 amino acids downstream. This alteration is then predicted to lead to a truncated or absent protein. Loss of function of the TTN gene is an established disease mechanism in autosomal recessive Salih myopathy. In summary, although additional studies are required to fully establish its clinical significance, this variant is likely pathogenic for Salih myopathy. ACMG/AMP Criteria applied: PVS1, PM2_Supporting (Richards 2015).

Solve-RD Consortium
Classification: Pathogenic for Autosomal recessive limb-girdle muscular dystrophy type 2J. Last evaluated: 2024-09-01. Review status: no assertion criteria provided. Collection method: research. Allele origin: de novo. Affected: yes. Study: Solve-RD Consortium. Not counted in ClinVar's aggregate classification.
Comment: This de novo indel leads to a frameshift in exon 221 of TTN, which is expressed in 99% of TTN transcripts (PMID: 29598826). Frameshift variants have been extensively described as disease-causing in titinopathies. Variant confirmed as disease-causing by referring clinical team

Variant identified during long-read sequencing analysis of unsolved cases by the Solve-RD project. The Solve-RD project has received funding from the European Union’s Horizon 2020 research and innovation programme under grant agreement No 779257.